The following is an entry in ClinVar:

ClinVar aggregate classification (germline): Uncertain significance (1 of 4 stars; one submission).

Allele frequency attached by ClinVar (database versions not stated): gnomAD 0.00001; TOPMed 0.00001; ExAC 0.00009.
gnomAD v4.1: 28 of 1,581,880 alleles (0.0018%); highest among the groups gnomAD compares: Non-Finnish European, 0.0021%; no homozygotes.

Submission:

Labcorp Genetics (formerly Invitae), Labcorp
Classification: Uncertain significance. Last evaluated: 2024-10-21. Review status: criteria provided, single submitter. Criteria: Invitae Variant Classification Sherloc (09022015). Collection method: clinical testing. Allele origin: germline.
Comment: This sequence change replaces valine, which is neutral and non-polar, with methionine, which is neutral and non-polar, at codon 77 of the FSCN2 protein (p.Val77Met). The frequency data for this variant in the population databases is considered unreliable, as metrics indicate poor data quality at this position in the gnomAD database. This variant has not been reported in the literature in individuals affected with FSCN2-related conditions. ClinVar contains an entry for this variant (Variation ID: 1038328). An algorithm developed to predict the effect of missense changes on protein structure and function (PolyPhen-2) suggests that this variant is likely to be disruptive. In summary, the available evidence is currently insufficient to determine the role of this variant in disease. Therefore, it has been classified as a Variant of Uncertain Significance.

NM_012418.4(FSCN2):c.229G>A (p.Val77Met)

Gene: FSCN2 (fascin actin-bundling protein 2, retinal; plus strand). Cytogenetic location: 17q25.3.
Variant type: single nucleotide variant.
Coding change: c.229G>A on transcript NM_012418.4 (MANE Select); coding-DNA position 229, G replaced by A.
Protein change: p.Val77Met; replaces valine 77 with methionine.
Molecular consequence: missense variant.
Genome position (GRCh38, 1-based): chr17:81,528,760, G>A. VCF-style: chr17-81528760-G-A. GRCh37 (hg19) VCF-style: chr17-79495786-G-A.
Other names: c.229G>A, p.Val77Met (NM_001077182.3); short protein forms V77M.
Identifiers: ClinVar variation 1038328 (VCV001038328.8), dbSNP rs782658647, ClinGen allele CA8836619.